The following is an entry in ClinVar:

ClinVar aggregate classification (germline): Uncertain significance (1 of 4 stars; one submission).

Conditions:
Inborn genetic diseases. Identifiers: MedGen C0950123, MeSH D030342.

gnomAD v4.1: 6 of 1,614,082 alleles (0.00037%); highest among the groups gnomAD compares: Non-Finnish European, 0.00051%; no homozygotes.

Submission:

Ambry Genetics
Classification: Uncertain significance for Inborn genetic diseases. Last evaluated: 2024-12-29. Review status: criteria provided, single submitter. Criteria: Ambry Variant Classification Scheme 2023. Collection method: clinical testing. Allele origin: germline.
Comment: The p.P588T variant (also known as c.1762C>A), located in coding exon 8 of the MECOM gene, results from a C to A substitution at nucleotide position 1762. The proline at codon 588 is replaced by threonine, an amino acid with highly similar properties. This amino acid position is conserved. In addition, this alteration is predicted to be tolerated by in silico analysis. Based on the available evidence, the clinical significance of this variant remains unclear.

NM_004991.4(MECOM):c.1762C>A (p.Pro588Thr)

Gene: MECOM (MDS1 and EVI1 complex locus; minus strand). Cytogenetic location: 3q26.2.
Variant type: single nucleotide variant.
Coding change: c.1762C>A on transcript NM_004991.4 (MANE Select); coding-DNA position 1762, C replaced by A.
Protein change: p.Pro588Thr; replaces proline 588 with threonine.
Molecular consequence: missense variant. On other transcripts: intron variant (2).
Genome position (GRCh38, 1-based): chr3:169,116,110, G>T on the plus strand (C>A on the coding strand, the complement: MECOM is on the minus strand). VCF-style: chr3-169116110-G-T. GRCh37 (hg19) VCF-style: chr3-168833898-G-T.
Other names: c.1393C>A, p.Pro465Thr (NM_001105077.4); c.1198C>A, p.Pro400Thr (NM_001105078.4, NM_001164000.2, NM_001205194.2 and 4 more transcripts); c.1201C>A, p.Pro401Thr (NM_001163999.2, NM_001366467.2, NM_001366468.2 and 1 more transcripts); c.1762C>A, p.Pro588Thr (NM_001366466.2); c.1133-343C>A (NM_001366473.2); c.569-343C>A (NM_001366474.2); short protein forms P400T, P401T, P465T, P588T.
Identifiers: ClinVar variation 3871651 (VCV003871651.1).